The following is an entry in ClinVar:

NM_001111125.3(IQSEC2):c.1377A>C (p.Glu459Asp)

Gene: IQSEC2 (IQ motif and Sec7 domain ArfGEF 2; minus strand). Cytogenetic location: Xp11.22.
Variant type: single nucleotide variant.
Coding change: c.1377A>C on transcript NM_001111125.3 (MANE Select); coding-DNA position 1377, A replaced by C.
Protein change: p.Glu459Asp; replaces glutamic acid 459 with aspartic acid.
Molecular consequence: missense variant.
Genome position (GRCh38, 1-based): chrX:53,254,554, T>G on the plus strand (A>C on the coding strand, the complement: IQSEC2 is on the minus strand). VCF-style: chrX-53254554-T-G. GRCh37 (hg19) VCF-style: chrX-53283736-T-G.
Other names: c.762A>C, p.Glu254Asp (NM_015075.2); short protein forms E254D, E459D.
Identifiers: ClinVar variation 1308417 (VCV001308417.2), dbSNP rs2147120382, ClinGen allele CA413167317.

ClinVar aggregate classification (germline): Uncertain significance (1 of 4 stars; one submission).

Submission:

GeneDx
Classification: Uncertain significance. Last evaluated: 2020-02-03. Review status: criteria provided, single submitter. Criteria: GeneDx Variant Classification Process June 2021. Collection method: clinical testing. Allele origin: germline. Affected: yes.
Comment: Not observed in large population cohorts (Lek et al., 2016); In silico analysis, which includes protein predictors and evolutionary conservation, supports that this variant does not alter protein structure/function; Has not been previously published as pathogenic or benign to our knowledge